The following is an entry in ClinVar:

ClinVar aggregate classification (germline): Uncertain significance (1 of 4 stars; one submission).

Submission:

Labcorp Genetics (formerly Invitae), Labcorp
Classification: Uncertain significance. Last evaluated: 2024-03-11. Review status: criteria provided, single submitter. Criteria: Invitae Variant Classification Sherloc (09022015). Collection method: clinical testing. Allele origin: germline.
Comment: This sequence change replaces glycine, which is neutral and non-polar, with aspartic acid, which is acidic and polar, at codon 1087 of the RBP3 protein (p.Gly1087Asp). This variant is not present in population databases (gnomAD no frequency). This variant has not been reported in the literature in individuals affected with RBP3-related conditions. ClinVar contains an entry for this variant (Variation ID: 2107951). An algorithm developed to predict the effect of missense changes on protein structure and function (PolyPhen-2) suggests that this variant is likely to be disruptive. In summary, the available evidence is currently insufficient to determine the role of this variant in disease. Therefore, it has been classified as a Variant of Uncertain Significance.

NM_002900.3(RBP3):c.3260G>A (p.Gly1087Asp)

Gene: RBP3 (retinol binding protein 3; plus strand). Cytogenetic location: 10q11.22.
Variant type: single nucleotide variant.
Coding change: c.3260G>A on transcript NM_002900.3 (MANE Select); coding-DNA position 3260, G replaced by A.
Protein change: p.Gly1087Asp; replaces glycine 1087 with aspartic acid.
Molecular consequence: missense variant.
Genome position (GRCh38, 1-based): chr10:47,355,390, G>A. VCF-style: chr10-47355390-G-A. GRCh37 (hg19) VCF-style: chr10-48383972-C-T.
Other names: short protein forms G1087D.
Identifiers: ClinVar variation 2107951 (VCV002107951.4), dbSNP rs2549030886, ClinGen allele CA376676777.